The following is an entry in ClinVar:

NM_152703.5(SAMD9L):c.3488del (p.Phe1163fs)

Gene: SAMD9L (sterile alpha motif domain containing 9 like; minus strand). Cytogenetic location: 7q21.2.
Variant type: Deletion.
Coding change: c.3488del on transcript NM_152703.5 (MANE Select); coding-DNA position 3488, one base deleted (T; older notation c.3488delT).
Protein change: p.Phe1163fs; shifts the reading frame from phenylalanine 1163.
Molecular consequence: frameshift variant.
Genome position (GRCh38, 1-based): chr7:93,132,484, A deleted on the plus strand (T on the coding strand, the reverse complement: SAMD9L is on the minus strand); the first of 3 consecutive A bases (chr7:93,132,484-93,132,486); deleting any one gives the same sequence. VCF-style (leftmost placement, unchanged base first): chr7-93132483-GA-G. GRCh37 (hg19) VCF-style: chr7-92761796-GA-G.
Other names: c.3488del, p.Phe1163fs (NM_001303496.3, NM_001303497.3, NM_001303498.3 and 5 more transcripts); short protein forms F1163fs.
Identifiers: ClinVar variation 3685133 (VCV003685133.2).

ClinVar aggregate classification (germline): Uncertain significance (1 of 4 stars; one submission).

Submission:

Labcorp Genetics (formerly Invitae), Labcorp
Classification: Uncertain significance. Last evaluated: 2025-01-28. Review status: criteria provided, single submitter. Criteria: Invitae Variant Classification Sherloc (09022015). Collection method: clinical testing. Allele origin: germline.
Comment: This sequence change creates a premature translational stop signal (p.Phe1163Serfs*39) in the SAMD9L gene. While this is not anticipated to result in nonsense mediated decay, it is expected to disrupt the last 422 amino acid(s) of the SAMD9L protein. This variant is not present in population databases (gnomAD no frequency). This variant has not been reported in the literature in individuals affected with SAMD9L-related conditions. Experimental studies and prediction algorithms are not available or were not evaluated, and the functional significance of this variant is currently unknown. In summary, the available evidence is currently insufficient to determine the role of this variant in disease. Therefore, it has been classified as a Variant of Uncertain Significance.